The following is an entry in ClinVar:

NM_153676.4(USH1C):c.521+14C>G

Gene: USH1C (USH1 protein network component harmonin; minus strand). Cytogenetic location: 11p15.1.
Variant type: single nucleotide variant.
Coding change: c.521+14C>G on transcript NM_153676.4 (MANE Select); 14 bases into the intron after coding-DNA position 521, C replaced by G.
Molecular consequence: intron variant.
Genome position (GRCh38, 1-based): chr11:17,527,002, G>C on the plus strand (C>G on the coding strand, the complement: USH1C is on the minus strand). VCF-style: chr11-17527002-G-C. GRCh37 (hg19) VCF-style: chr11-17548549-G-C.
Other names: c.521+14C>G (NM_001297764.2, NM_005709.4).
Identifiers: ClinVar variation 513511 (VCV000513511.1), dbSNP rs1235631667, ClinGen allele CA597668618.

ClinVar aggregate classification (germline): Likely benign (1 of 4 stars; one submission).

Allele frequency attached by ClinVar (database versions not stated): gnomAD exomes below 0.00001 and 0.00001.
gnomAD v4.1: 7 of 1,564,048 alleles (0.00045%); highest among the groups gnomAD compares: Middle Eastern, 0.017%; no homozygotes.

Submission:

GeneDx
Classification: Likely benign. Last evaluated: 2017-11-22. Review status: criteria provided, single submitter. Criteria: GeneDx Variant Classification (06012015). Collection method: clinical testing. Allele origin: germline. Affected: yes.
Comment: This variant is considered likely benign or benign based on one or more of the following criteria: it is a conservative change, it occurs at a poorly conserved position in the protein, it is predicted to be benign by multiple in silico algorithms, and/or has population frequency not consistent with disease.